The following is an entry in ClinVar:

NM_000492.4(CFTR):c.4325del (p.Ser1442fs)

Genes: CFTR (CF transmembrane conductance regulator; plus strand), LOC111674477 (CFTR intron 23 enhancer; plus strand). Cytogenetic location: 7q31.2.
Variant type: Deletion.
Coding change: c.4325del on transcript NM_000492.4 (MANE Select); coding-DNA position 4325, one base deleted (G; older notation c.4325delG).
Protein change: p.Ser1442fs; shifts the reading frame from serine 1442.
Molecular consequence: frameshift variant.
Genome position (GRCh38, 1-based): chr7:117,666,990, G deleted. VCF-style (leftmost placement, unchanged base first): chr7-117666989-AG-A. GRCh37 (hg19) VCF-style: chr7-117307043-AG-A.
Other names: short protein forms S1442fs.
Identifiers: ClinVar variation 2018254 (VCV002018254.4), dbSNP rs2485185679, ClinGen allele CA2580076385.

ClinVar aggregate classification (germline): Pathogenic (1 of 4 stars; one submission).

Conditions:
Cystic fibrosis (CF). Also called: MUCOVISCIDOSIS. Identifiers: Orphanet 586, MedGen C0010674, MONDO:0009061, OMIM 219700. Disease mechanism: loss of function.

Submission:

Labcorp Genetics (formerly Invitae), Labcorp
Classification: Pathogenic for Cystic fibrosis. Last evaluated: 2022-11-07. Review status: criteria provided, single submitter. Criteria: Invitae Variant Classification Sherloc (09022015). Collection method: clinical testing. Allele origin: germline.
Comment: This sequence change creates a premature translational stop signal (p.Ser1442Thrfs*6) in the CFTR gene. While this is not anticipated to result in nonsense mediated decay, it is expected to disrupt the last 39 amino acid(s) of the CFTR protein. For these reasons, this variant has been classified as Pathogenic. This variant disrupts a region of the CFTR protein in which other variant(s) (p.Gln1476*) have been determined to be pathogenic (PMID: 11938439, 22020151, 30444886). This suggests that this is a clinically significant region of the protein, and that variants that disrupt it are likely to be disease-causing. This variant has not been reported in the literature in individuals affected with CFTR-related conditions. This variant is not present in population databases (gnomAD no frequency).

Literature cited by the submitters: PubMed 11938439; PubMed 22020151; PubMed 30444886.